The following is an entry in ClinVar:

ClinVar aggregate classification (germline): Uncertain significance. Review status: criteria provided, multiple submitters, no conflicts (2 of 4 stars). 2 submissions from 2 submitters: Uncertain significance (2). Last evaluated 2025-07-01.

Submissions (2):

CeGaT Center for Human Genetics Tuebingen
Classification: Uncertain significance. Last evaluated: 2025-07-01. Review status: criteria provided, single submitter. Criteria: CeGaT Center For Human Genetics Tuebingen Variant Classification Criteria Version 2. Collection method: clinical testing. Allele origin: germline. Affected: yes. Observed: 1 variant allele.
Comment: PPP3CA: PM2, PP2

Labcorp Genetics (formerly Invitae), Labcorp
Classification: Uncertain significance. Last evaluated: 2023-02-04. Review status: criteria provided, single submitter. Criteria: Invitae Variant Classification Sherloc (09022015). Collection method: clinical testing. Allele origin: germline.
Comment: This variant is not present in population databases (gnomAD no frequency). This sequence change replaces glutamic acid, which is acidic and polar, with lysine, which is basic and polar, at codon 456 of the PPP3CA protein (p.Glu456Lys). This variant has not been reported in the literature in individuals affected with PPP3CA-related conditions. Algorithms developed to predict the effect of missense changes on protein structure and function (SIFT, PolyPhen-2, Align-GVGD) all suggest that this variant is likely to be tolerated. In summary, the available evidence is currently insufficient to determine the role of this variant in disease. Therefore, it has been classified as a Variant of Uncertain Significance.

NM_000944.5(PPP3CA):c.1366G>A (p.Glu456Lys)

Gene: PPP3CA (protein phosphatase 3 catalytic subunit alpha; minus strand). Cytogenetic location: 4q24.
Variant type: single nucleotide variant.
Coding change: c.1366G>A on transcript NM_000944.5 (MANE Select); coding-DNA position 1366, G replaced by A.
Protein change: p.Glu456Lys; replaces glutamic acid 456 with lysine.
Molecular consequence: missense variant. On other transcripts: intron variant (2).
Genome position (GRCh38, 1-based): chr4:101,029,169, C>T on the plus strand (G>A on the coding strand, the complement: PPP3CA is on the minus strand). VCF-style: chr4-101029169-C-T. GRCh37 (hg19) VCF-style: chr4-101950326-C-T.
Other names: c.1213+3098G>A (NM_001130692.2); c.1339+3098G>A (NM_001130691.2); short protein forms E456K.
Identifiers: ClinVar variation 2080234 (VCV002080234.12), dbSNP rs1726803653, ClinGen allele CA357947876.